The following is an entry in ClinVar:

NM_012330.4(KAT6B):c.5958_5963dup (p.Thr1988_Leu1989insAsnThr)

Gene: KAT6B (lysine acetyltransferase 6B; plus strand). Cytogenetic location: 10q22.2.
Variant type: Duplication.
Coding change: c.5958_5963dup on transcript NM_012330.4 (MANE Select); coding-DNA positions 5958 to 5963, 6 bases duplicated (GAACAC; older notation c.5958_5963dupGAACAC).
Protein change: p.Thr1988_Leu1989insAsnThr.
Molecular consequence: inframe insertion.
Genome position (GRCh38, 1-based): chr10:75,030,782-75,030,787, GAACAC duplicated. VCF-style (leftmost placement, unchanged base first): chr10-75030781-T-TGAACAC. GRCh37 (hg19) VCF-style: chr10-76790539-T-TGAACAC.
Other names: c.5409_5414dup, p.Thr1805_Leu1806insAsnThr (NM_001256468.2, NM_001370138.1); c.5082_5087dup, p.Thr1696_Leu1697insAsnThr (NM_001256469.2, NM_001370139.1, NM_001370140.1 and 2 more transcripts); c.4920_4925dup, p.Thr1642_Leu1643insAsnThr (NM_001370132.1); c.4269_4274dup, p.Thr1425_Leu1426insAsnThr (NM_001370133.1); c.3873_3878dup, p.Thr1293_Leu1294insAsnThr (NM_001370134.1); c.3615_3620dup, p.Thr1207_Leu1208insAsnThr (NM_001370135.1); c.5958_5963dup, p.Thr1988_Leu1989insAsnThr (NM_001370136.1, NM_001370137.1); c.4893_4898dup, p.Thr1633_Leu1634insAsnThr (NM_001370143.1, NM_001370144.1).
Identifiers: ClinVar variation 4884441 (VCV004884441.1).

ClinVar aggregate classification (germline): Likely benign (1 of 4 stars; one submission).

Conditions:
Blepharophimosis - intellectual disability syndrome, SBBYS type (SBBYSS). Also called: Young Simpson syndrome; Mental retardation unusual facies hypothyroidism; Say-Barber-Biesecker-Young-Simpson variant of Ohdo Syndrome; Say-Barber-Biesecker Variant of Ohdo Syndrome; Ohdo syndrome, SBBYS variant; SBBYSS syndrome. Identifiers: Orphanet 3047, MedGen C1863557, MONDO:0011365, OMIM 603736.

Submission:

Centre for Medical Genetics,  Mumbai
Classification: Likely benign for Blepharophimosis - intellectual disability syndrome, SBBYS type. Last evaluated: 2026-06-04. Review status: criteria provided, single submitter. Criteria: ACMG Guidelines, 2015. Collection method: provider interpretation. Allele origin: germline. Inheritance: Autosomal dominant inheritance. Affected: no. Observed: 1 variant allele, 1 heterozygote.
Comment: The variant satisfies PM2 criteria - extremely low frequency in gnomAD population databases. The variant satisfies PM4 criteria - protein length changes resulting from in-frame deletions/insertions in a non-repeat region or a stop-loss variant. However, the variant satisfies BS2 criteria - present in heterozygous state in an individual that clinically does not have SBBYSS syndrome.

Literature cited by the submitters: PubMed 22077973.